The following is an entry in ClinVar:

ClinVar aggregate classification (germline): Pathogenic/Likely pathogenic. Review status: criteria provided, multiple submitters, no conflicts (2 of 4 stars). 14 submissions from 14 submitters: Pathogenic (8); Likely pathogenic (6). Last evaluated 2025-11-19.

Conditions:
Inborn genetic diseases. Identifiers: MedGen C0950123, MeSH D030342.
PIGO-related disorder. Also called: PIGO-related condition.
Hyperphosphatasia-intellectual disability syndrome. Also called: Hyperphosphatasia with mental retardation syndrome. Identifiers: Orphanet 247262, MedGen C1855923, MONDO:0016596.
Hyperphosphatasia with impaired intellectual development syndrome 2. Also called: GLYCOSYLPHOSPHATIDYLINOSITOL BIOSYNTHESIS DEFECT 6; Hyperphosphatasia with intellectual disability syndrome 2. Identifiers: Orphanet 247262, MedGen C3553637, MONDO:0013882, OMIM 614749.

Submissions (14):

Dasa
Classification: Likely pathogenic. Last evaluated: 2025-11-19. Review status: criteria provided, single submitter. Criteria: DASA Assertion Criteria. Collection method: clinical testing. Allele origin: germline.
Comment: NM_032634.4(PIGO):c.1810dup (p.Arg604Profs*40) is a frameshift variant in PIGO predicted to alter the reading frame and introduce a premature termination codon and is predicted to result in an absent or altered protein product. Loss of function is an established disease mechanism for PIGO-associated disorders. This variant has been reported in individuals with PIGO-related disorders (PMID: 28545593). Also, this variant is rare in population databases. Based on the currently available evidence, this variant is classified as likely pathogenic.

GeneDx
Classification: Likely pathogenic. Last evaluated: 2025-09-19. Review status: criteria provided, single submitter. Criteria: GeneDx Variant Classification Process June 2021. Collection method: clinical testing. Allele origin: germline. Affected: yes.
Comment: Frameshift variant predicted to result in protein truncation or nonsense mediated decay in a gene for which loss of function is a known mechanism of disease; This variant is associated with the following publications: (PMID: 30609409, 22683086, 34313030, 24417746, 31980526, 31589614, 28545593, 31440721, 40514788)

Labcorp Genetics (formerly Invitae), Labcorp
Classification: Pathogenic for Hyperphosphatasia with impaired intellectual development syndrome 2. Last evaluated: 2025-01-23. Review status: criteria provided, single submitter. Criteria: Invitae Variant Classification Sherloc (09022015). Collection method: clinical testing. Allele origin: germline.
Comment: This sequence change creates a premature translational stop signal (p.Arg604Profs*40) in the PIGO gene. It is expected to result in an absent or disrupted protein product. Loss-of-function variants in PIGO are known to be pathogenic (PMID: 22683086, 24417746). This variant is present in population databases (rs774508288, gnomAD 0.03%). This premature translational stop signal has been observed in individual(s) with a PIGO-related disorder (PMID: 28545593). ClinVar contains an entry for this variant (Variation ID: 286126). For these reasons, this variant has been classified as Pathogenic.

PreventionGenetics, part of Exact Sciences
Classification: Pathogenic for PIGO-related condition. Last evaluated: 2024-12-30. Review status: criteria provided, single submitter. Criteria: ACMG Guidelines, 2015. Collection method: clinical testing. Allele origin: germline.
Comment: The PIGO c.1810dupC variant is predicted to result in a frameshift and premature protein termination (p.Arg604Profs*40). This variant has been reported in the compound heterozygous state in an individual with hyperphosphatasia, dysmorphism, psychomotor delay, and seizure (Morren et al. 2017. PubMed ID: 28545593). This variant is reported in 0.033% of alleles in individuals of European (Non-Finnish) descent in gnomAD. Frameshift variants in PIGO are expected to be pathogenic. This variant is interpreted as pathogenic.

ARUP Laboratories, Molecular Genetics and Genomics, ARUP Laboratories
Classification: Likely pathogenic for Hyperphosphatasia with impaired intellectual development syndrome 2. Last evaluated: 2024-03-25. Review status: criteria provided, single submitter. Criteria: ARUP Molecular Germline Variant Investigation Process 2024. Collection method: clinical testing. Allele origin: germline.
Comment: The PIGO c.1810dup; p.Arg604ProfsTer40 variant (rs774508288; ClinVar ID: 286126) is reported in the literature in an individual who had a second variant of uncertain significance in the PIGO gene and clinical findings consistent with a PIGO-related disorder (Morren 2017). This variant is found in the non-Finnish European population with an allele frequency of 0.03% (42/129,018 alleles) in the Genome Aggregation Database (v2.1.1). This variant causes a frameshift by deleting a single nucleotide, so it is predicted to result in a truncated protein or mRNA subject to nonsense-mediated decay. Based on the available information, this variant is considered likely pathogenic. References: Morren MA et al. PIGO deficiency: palmoplantar keratoderma and novel mutations. Orphanet J Rare Dis. 2017 May 25;12(1):101. PMID: 28545593.

Blueprint Genetics
Classification: Likely pathogenic for PIGO-related disorders. Last evaluated: 2023-09-27. Review status: criteria provided, single submitter. Criteria: ACMG Guidelines, 2015. Collection method: clinical testing. Allele origin: germline. Affected: yes. Observed: 5 variant alleles.

Mayo Clinic Laboratories, Mayo Clinic
Classification: Likely pathogenic. Last evaluated: 2023-06-30. Review status: criteria provided, single submitter. Criteria: ACMG Guidelines, 2015. Collection method: clinical testing. Allele origin: germline. Observed: 1 variant allele.
Comment: PM2_moderate, PVS1

Women's Health and Genetics/Laboratory Corporation of America, LabCorp
Classification: Pathogenic for Hyperphosphatasia with impaired intellectual development syndrome 2. Last evaluated: 2023-05-11. Review status: criteria provided, single submitter. Criteria: LabCorp Variant Classification Summary - May 2015. Collection method: clinical testing. Allele origin: germline.
Comment: Variant summary: PIGO c.1810dupC (p.Arg604ProfsX40) results in a premature termination codon, predicted to cause a truncation of the encoded protein or absence of the protein due to nonsense mediated decay, which are commonly known mechanisms for disease. The variant allele was found at a frequency of 0.00015 in 251232 control chromosomes (gnomAD). c.1810dupC has been reported in the literature in an individual affected with PIGO deficiency (example: Morren_2017). The following publication has been ascertained in the context of this evaluation (PMID: 28545593). Eight clinical diagnostic laboratories have submitted clinical-significance assessments for this variant to ClinVar after 2014 and all classified the variant as pathogenic/likely pathogenic. Based on the evidence outlined above, the variant was classified as pathogenic.

Baylor Genetics
Classification: Pathogenic for Hyperphosphatasia with impaired intellectual development syndrome 2. Last evaluated: 2022-09-08. Review status: criteria provided, single submitter. Criteria: ACMG Guidelines, 2015. Collection method: clinical testing. Allele origin: unknown.

Fulgent Genetics
Classification: Pathogenic for Hyperphosphatasia with impaired intellectual development syndrome 2. Last evaluated: 2022-01-29. Review status: criteria provided, single submitter. Criteria: ACMG Guidelines, 2015. Collection method: clinical testing. Allele origin: unknown.

Ambry Genetics
Classification: Pathogenic for Inborn genetic diseases. Last evaluated: 2022-01-05. Review status: criteria provided, single submitter. Criteria: Ambry Variant Classification Scheme 2023. Collection method: clinical testing. Allele origin: germline.
Comment: The c.1810dupC (p.R604Pfs*40) alteration, located in exon 7 (coding exon 6) of the PIGO gene, consists of a duplication of C at position 1810, causing a translational frameshift with a predicted alternate stop codon after 40 amino acids. This alteration is expected to result in loss of function by premature protein truncation or nonsense-mediated mRNA decay. Based on data from gnomAD, the dupC allele has an overall frequency of 0.02% (44/282630) total alleles studied. The highest observed frequency was 0.03% (42/129018) of European (non-Finnish) alleles. This alteration has been reported compound heterozygous in a patient with facial dysmorphism, psychomotor disability, epilepsy, palmoplantar keratoderma, hyperphosphatasemia, and platelet dysfunction without a clinical bleeding phenotype (Morren, 2017). Based on the available evidence, this alteration is classified as pathogenic.

MGZ Medical Genetics Center
Classification: Pathogenic for Hyperphosphatasia with impaired intellectual development syndrome 2. Last evaluated: 2021-12-06. Review status: criteria provided, single submitter. Criteria: ACMG Guidelines, 2015. Collection method: clinical testing. Allele origin: germline. Affected: yes. Observed: 1 variant allele.
Comment: ACMG criteria applied: PVS1, PM3, PS4_SUP, PM2_SUP

Laboratory for Molecular Medicine, Mass General Brigham Personalized Medicine
Classification: Likely pathogenic for Hyperphosphatasia-intellectual disability syndrome. Last evaluated: 2017-09-29. Review status: criteria provided, single submitter. Criteria: LMM Criteria. Collection method: clinical testing. Allele origin: germline. Inheritance: Autosomal recessive inheritance. Observed: 1 variant allele.
Comment: The p.Arg604ProfsX40 variant in PIGO has not been previously reported in indivi duals with hyperphosphatasia with intellectual disability syndrome, but has been reported in ClinVar (Variation ID#286126). It has been identified in 0.033% (42 /126,578) European chromosomes by the Genome Aggregation Database (.; dbSNP rs774508288). Although this variant has been seen in the general population, its frequency is low enough to be consistent with a rece ssive carrier frequency. This variant is predicted to cause a frameshift, which alters the protein?s amino acid sequence beginning at position 604 and leads to a premature termination codon 40 amino acids downstream. This alteration is then predicted to lead to a truncated or absent protein. Biallelic loss of function of the PIGO gene has been associated with hyperphosphatasia with intellectual di sability syndrome. In summary, although additional studies are required to fully establish its clinical significance, the p.Arg604ProfsX40 variant is likely pat hogenic for hyperphosphatasia with intellectual disability syndrome in an autoso mal recessive manner based on a predicted variant effect. ACMG/AMP Criteria appl ied: PVS1; PM2 (Richards 2015).

Eurofins Ntd Llc (ga)
Classification: Pathogenic. Last evaluated: 2016-02-22. Review status: criteria provided, single submitter. Criteria: EGL Classification Definitions. Collection method: clinical testing. Allele origin: germline. Observed: 1 variant allele, 1 heterozygote.

Literature cited by the submitters: PubMed 28545593 (cited by 5 submitters); PubMed 22683086 (cited by Labcorp Genetics (formerly Invitae), Labcorp); PubMed 24417746 (cited by Labcorp Genetics (formerly Invitae), Labcorp); PubMed 30609409 (cited by Mayo Clinic Laboratories, Mayo Clinic); PubMed 31440721 (cited by Mayo Clinic Laboratories, Mayo Clinic); PubMed 31589614 (cited by Mayo Clinic Laboratories, Mayo Clinic); PubMed 31980526 (cited by Mayo Clinic Laboratories, Mayo Clinic); PubMed 34313030 (cited by Mayo Clinic Laboratories, Mayo Clinic); PubMed 34441372 (cited by Mayo Clinic Laboratories, Mayo Clinic).

NM_032634.4(PIGO):c.1810dup (p.Arg604fs)

Gene: PIGO (phosphatidylinositol glycan anchor biosynthesis class O; minus strand). Cytogenetic location: 9p13.3.
Variant type: Duplication.
Coding change: c.1810dup on transcript NM_032634.4 (MANE Select); coding-DNA position 1810, one base duplicated (C; older notation c.1810dupC).
Protein change: p.Arg604fs; shifts the reading frame from arginine 604.
Molecular consequence: frameshift variant. On other transcripts: intron variant (2).
Genome position (GRCh38, 1-based): chr9:35,092,077, G duplicated on the plus strand (C on the coding strand, the reverse complement: PIGO is on the minus strand); the first of 4 consecutive G bases (chr9:35,092,077-35,092,080); duplicating any one gives the same sequence. VCF-style (leftmost placement, unchanged base first): chr9-35092076-C-CG. GRCh37 (hg19) VCF-style: chr9-35092073-C-CG.
Other names: p.Arg604ProfsX40; p.Arg604Profs*40; c.1810dupC (NM_032634.3); c.1344+466dup (NM_152850.4, NM_001201484.2); short protein forms R604fs.
Identifiers: ClinVar variation 286126 (VCV000286126.34), dbSNP rs774508288, ClinGen allele CA5040560.